The following is an entry in ClinVar:

ClinVar aggregate classification (germline): Uncertain significance (1 of 4 stars; one submission).

Conditions:
X-linked agammaglobulinemia with growth hormone deficiency (IGHD3). Also called: AGAMMAGLOBULINEMIA AND ISOLATED GROWTH HORMONE DEFICIENCY, X-LINKED; Isolated growth hormone deficiency type 3; Growth hormone deficiency with hypogammaglobulinemia; HYPOGAMMAGLOBULINEMIA AND ISOLATED GROWTH HORMONE DEFICIENCY, X-LINKED; IGHD III; ISOLATED GROWTH HORMONE DEFICIENCY, TYPE III, WITH AGAMMAGLOBULINEMIA. Identifiers: Orphanet 231692, Orphanet 631, MedGen C0472813, MONDO:0010615, OMIM 307200.

Submission:

Labcorp Genetics (formerly Invitae), Labcorp
Classification: Uncertain significance for X-linked agammaglobulinemia with growth hormone deficiency. Last evaluated: 2023-12-04. Review status: criteria provided, single submitter. Criteria: Invitae Variant Classification Sherloc (09022015). Collection method: clinical testing. Allele origin: germline.
Comment: This sequence change replaces arginine, which is basic and polar, with proline, which is neutral and non-polar, at codon 288 of the BTK protein (p.Arg288Pro). This variant is not present in population databases (gnomAD no frequency). This variant has not been reported in the literature in individuals affected with BTK-related conditions. Advanced modeling of protein sequence and biophysical properties (such as structural, functional, and spatial information, amino acid conservation, physicochemical variation, residue mobility, and thermodynamic stability) performed at Invitae indicates that this missense variant is expected to disrupt BTK protein function with a positive predictive value of 80%. This variant disrupts the p.Arg288 amino acid residue in BTK. Other variant(s) that disrupt this residue have been determined to be pathogenic (PMID: 9545398, 11472359, 12217331, 15661032). This suggests that this residue is clinically significant, and that variants that disrupt this residue are likely to be disease-causing. In summary, the available evidence is currently insufficient to determine the role of this variant in disease. Therefore, it has been classified as a Variant of Uncertain Significance.

Literature cited by the submitters: PubMed 9545398; PubMed 11472359; PubMed 12217331; PubMed 15661032.

NM_000061.3(BTK):c.863G>C (p.Arg288Pro)

Gene: BTK (Bruton tyrosine kinase; minus strand). Cytogenetic location: Xq22.1.
Variant type: single nucleotide variant.
Coding change: c.863G>C on transcript NM_000061.3 (MANE Select); coding-DNA position 863, G replaced by C.
Protein change: p.Arg288Pro; replaces arginine 288 with proline.
Molecular consequence: missense variant.
Genome position (GRCh38, 1-based): chrX:101,359,324, C>G on the plus strand (G>C on the coding strand, the complement: BTK is on the minus strand). VCF-style: chrX-101359324-C-G. GRCh37 (hg19) VCF-style: chrX-100614312-C-G.
Other names: c.965G>C, p.Arg322Pro (NM_001287344.2); c.863G>C, p.Arg288Pro (NM_001287345.2); short protein forms R288P, R322P.
Identifiers: ClinVar variation 2695959 (VCV002695959.3), dbSNP rs1555978277, ClinGen allele CA413930075.